The following is an entry in ClinVar:

NM_001032283.3(TMPO):c.565+1374A>C

Gene: TMPO (thymopoietin; plus strand). Cytogenetic location: 12q23.1.
Variant type: single nucleotide variant.
Coding change: c.565+1374A>C on transcript NM_001032283.3 (MANE Select); 1374 bases into the intron after coding-DNA position 565, A replaced by C.
Molecular consequence: intron variant. On other transcripts: missense variant (1).
Genome position (GRCh38, 1-based): chr12:98,533,212, A>C. VCF-style: chr12-98533212-A-C. GRCh37 (hg19) VCF-style: chr12-98926990-A-C.
Other names: c.955A>C, p.Thr319Pro (NM_003276.2); c.565+1374A>C (NM_001307975.2, NM_001032284.3); short protein forms T319P.
Identifiers: ClinVar variation 469135 (VCV000469135.9), dbSNP rs760685984, ClinGen allele CA6732320.

ClinVar aggregate classification (germline): Uncertain significance (1 of 4 stars; one submission).

Conditions:
Loeys-Dietz syndrome 2 (LDS2). Also called: TGFBR2-Related Loeys-Dietz Syndrome; AORTIC ANEURYSM, FAMILIAL THORACIC 3; MARFAN SYNDROME, TYPE II; Marfan syndrome, type 2 (formerly); Marfan Syndrome type 2; Marfan like connective tissue disorder. Identifiers: Orphanet 284973, Orphanet 558, MedGen C2674574, MONDO:0012427, OMIM 610168.

gnomAD v4.1: 1 of 1,614,060 alleles (0.000062%); highest among the groups gnomAD compares: Admixed American, 0.0017%; no homozygotes.

Submission:

Labcorp Genetics (formerly Invitae), Labcorp
Classification: Uncertain significance for Loeys-Dietz syndrome 2. Last evaluated: 2017-06-21. Review status: criteria provided, single submitter. Criteria: Invitae Variant Classification Sherloc (09022015). Collection method: clinical testing. Allele origin: germline.
Comment: In summary, this variant has uncertain impact on TMPO function. The available evidence is currently insufficient to determine its role in disease. Therefore, it has been classified as a Variant of Uncertain Significance. Algorithms developed to predict the effect of missense changes on protein structure and function output the following: SIFT: "Deleterious"; PolyPhen-2: "Benign"; Align-GVGD: "Class C0". The proline amino acid residue is found in multiple mammalian species, suggesting that this missense change does not adversely affect protein function. These predictions have not been confirmed by published functional studies and their clinical significance is uncertain. This variant has not been reported in the literature in individuals with a TMPO-related disease. This variant is present in population databases (rs760685984, ExAC 0.009%). This sequence change replaces threonine with proline at codon 319 of the TMPO protein (p.Thr319Pro). The threonine residue is weakly conserved and there is a small physicochemical difference between threonine and proline.